The following is an entry in ClinVar:

ClinVar aggregate classification (germline): Benign. Review status: criteria provided, multiple submitters, no conflicts (2 of 4 stars). 2 submissions from 2 submitters: Benign (2). Last evaluated 2018-06-16.

Allele frequency attached by ClinVar (database versions not stated): gnomAD 0.03132; 1000 Genomes Project 0.03395; 1000 Genomes Project 30x 0.03467; TOPMed 0.03720.
gnomAD v4.1: 4,961 of 151,944 alleles (3.3%); highest among the groups gnomAD compares: African/African-American, 11%; 267 homozygotes.

Submissions (2):

GeneDx
Classification: Benign. Last evaluated: 2018-06-16. Review status: criteria provided, single submitter. Criteria: GeneDx Variant Classification (06012015). Collection method: clinical testing. Allele origin: germline. Affected: yes.
Comment: This variant is considered likely benign or benign based on one or more of the following criteria: it is a conservative change, it occurs at a poorly conserved position in the protein, it is predicted to be benign by multiple in silico algorithms, and/or has population frequency not consistent with disease.

Breakthrough Genomics
Classification: Benign. Review status: criteria provided, single submitter. Criteria: ACMG Guidelines, 2015. Collection method: not provided. Allele origin: germline. Inheritance: Autosomal recessive inheritance. Affected: yes.

NM_002206.3(ITGA7):c.1888-279G>A

Gene: ITGA7 (integrin subunit alpha 7; minus strand). Cytogenetic location: 12q13.2.
Variant type: single nucleotide variant.
Coding change: c.1888-279G>A on transcript NM_002206.3 (MANE Select); 279 bases into the intron before coding-DNA position 1888, G replaced by A.
Molecular consequence: intron variant.
Genome position (GRCh38, 1-based): chr12:55,695,916, C>T on the plus strand (G>A on the coding strand, the complement: ITGA7 is on the minus strand). VCF-style: chr12-55695916-C-T. GRCh37 (hg19) VCF-style: chr12-56089700-C-T.
Other names: c.1609-279G>A (NM_001144997.2); c.1561-279G>A (NM_001367993.1); c.1549-279G>A (NM_001414035.1); c.1705-279G>A (NM_001414033.1); c.544-279G>A (NM_001367994.1); c.1768-279G>A (NM_001414032.1); c.1801-279G>A (NM_001414031.1); c.1870-279G>A (NM_001374465.1); and 5 more.
Identifiers: ClinVar variation 673610 (VCV000673610.2), dbSNP rs75233332, ClinGen allele CA237570435.